The following is an entry in ClinVar:

NM_002734.5(PRKAR1A):c.658A>G (p.Asn220Asp)

Gene: PRKAR1A (protein kinase cAMP-dependent type I regulatory subunit alpha; plus strand). Cytogenetic location: 17q24.2.
Variant type: single nucleotide variant.
Coding change: c.658A>G on transcript NM_002734.5 (MANE Select); coding-DNA position 658, A replaced by G.
Protein change: p.Asn220Asp; replaces asparagine 220 with aspartic acid.
Molecular consequence: missense variant.
Genome position (GRCh38, 1-based): chr17:68,525,862, A>G. VCF-style: chr17-68525862-A-G. GRCh37 (hg19) VCF-style: chr17-66522003-A-G.
Other names: c.658A>G (NM_002734.4); c.658A>G, p.Asn220Asp (NM_001276289.2, NM_001276290.1, NM_001278433.2 and 4 more transcripts); short protein forms N220D.
Identifiers: ClinVar variation 1057221 (VCV001057221.14), dbSNP rs2085773408, ClinGen allele CA400753285.

ClinVar aggregate classification (germline): Uncertain significance. Review status: criteria provided, multiple submitters, no conflicts (2 of 4 stars). 4 submissions from 4 submitters: Uncertain significance (4). Last evaluated 2024-08-02.

Conditions:
Carney complex, type 1 (CNC1). Also called: CARNEY MYXOMA-ENDOCRINE COMPLEX; CARNEY COMPLEX, TYPE I. Identifiers: Orphanet 1359, MedGen C2607929, MONDO:0008057, OMIM 160980.
Acrodysostosis 1 with or without hormone resistance (ACRDYS1). Also called: ACRODYSOSTOSIS 1 WITH HORMONE RESISTANCE; ACRODYSOSTOSIS 1 WITHOUT HORMONE RESISTANCE; ACRODYSOSTOSIS WITH HORMONE RESISTANCE. Identifiers: Orphanet 280651, MedGen C3276228, MONDO:0007044, OMIM 101800.
Hereditary cancer-predisposing syndrome. Also called: Hereditary Cancer Syndrome; Tumor predisposition; Hereditary neoplastic syndrome; Neoplastic Syndromes, Hereditary. Identifiers: Orphanet 140162, MedGen C0027672, MeSH D009386, MONDO:0015356.

Allele frequency attached by ClinVar (database versions not stated): gnomAD exomes below 0.00001; TOPMed below 0.00001.
gnomAD v4.1: 2 of 1,614,006 alleles (0.00012%); highest among the groups gnomAD compares: Non-Finnish European, 0.00017%; no homozygotes.

Submissions (4):

GeneDx
Classification: Uncertain significance. Last evaluated: 2024-08-02. Review status: criteria provided, single submitter. Criteria: GeneDx Variant Classification Process June 2021. Collection method: clinical testing. Allele origin: germline. Affected: yes.
Comment: Not observed at significant frequency in large population cohorts (gnomAD); In silico analysis indicates that this missense variant does not alter protein structure/function; Has not been previously published as pathogenic or benign to our knowledge; This variant is associated with the following publications: (PMID: 24363928)

Labcorp Genetics (formerly Invitae), Labcorp
Classification: Uncertain significance for Carney complex, type 1. Last evaluated: 2024-03-05. Review status: criteria provided, single submitter. Criteria: Invitae Variant Classification Sherloc (09022015). Collection method: clinical testing. Allele origin: germline.
Comment: This sequence change replaces asparagine, which is neutral and polar, with aspartic acid, which is acidic and polar, at codon 220 of the PRKAR1A protein (p.Asn220Asp). This variant is not present in population databases (gnomAD no frequency). This variant has not been reported in the literature in individuals affected with PRKAR1A-related conditions. ClinVar contains an entry for this variant (Variation ID: 1057221). Advanced modeling of protein sequence and biophysical properties (such as structural, functional, and spatial information, amino acid conservation, physicochemical variation, residue mobility, and thermodynamic stability) performed at Invitae indicates that this missense variant is not expected to disrupt PRKAR1A protein function with a negative predictive value of 80%. In summary, the available evidence is currently insufficient to determine the role of this variant in disease. Therefore, it has been classified as a Variant of Uncertain Significance.

Baylor Genetics
Classification: Uncertain significance for Acrodysostosis 1 with or without hormone resistance. Last evaluated: 2023-08-31. Review status: criteria provided, single submitter. Criteria: ACMG Guidelines, 2015. Collection method: clinical testing. Allele origin: unknown.

Ambry Genetics
Classification: Uncertain significance for Hereditary cancer-predisposing syndrome. Last evaluated: 2023-05-26. Review status: criteria provided, single submitter. Criteria: Ambry Variant Classification Scheme 2023. Collection method: clinical testing. Allele origin: germline.
Comment: The p.N220D variant (also known as c.658A>G), located in coding exon 6 of the PRKAR1A gene, results from an A to G substitution at nucleotide position 658. The asparagine at codon 220 is replaced by aspartic acid, an amino acid with highly similar properties. This amino acid position is well conserved in available vertebrate species. In addition, the in silico prediction for this alteration is inconclusive. Since supporting evidence is limited at this time, the clinical significance of this alteration remains unclear.